The following is an entry in ClinVar:

NM_006941.4(SOX10):c.274G>A (p.Val92Met)

Genes: POLR2F (RNA polymerase II, I and III subunit F; plus strand), SOX10 (SRY-box transcription factor 10; minus strand). Cytogenetic location: 22q13.1.
Variant type: single nucleotide variant.
Coding change: c.274G>A on transcript NM_006941.4 (MANE Select); coding-DNA position 274, G replaced by A.
Protein change: p.Val92Met; replaces valine 92 with methionine.
Molecular consequence: missense variant. On other transcripts: intron variant (3).
Genome position (GRCh38, 1-based): chr22:37,983,511, C>T on the plus strand (G>A on the coding strand, the complement: SOX10 is on the minus strand). VCF-style: chr22-37983511-C-T. GRCh37 (hg19) VCF-style: chr22-38379518-C-T.
Other names: c.*38+11201C>T (NM_001363825.1); c.294-2643C>T (NM_001301130.2); c.293+16341C>T (NM_001301131.2); short protein forms V92M.
Identifiers: ClinVar variation 1709423 (VCV001709423.22), dbSNP rs142113652, ClinGen allele CA10228701.

ClinVar aggregate classification (germline): Conflicting classifications of pathogenicity. Review status: criteria provided, conflicting classifications (1 of 4 stars). 4 submissions from 4 submitters: Uncertain significance (3); Likely benign (1). Last evaluated 2025-09-23.

Conditions:
Waardenburg syndrome type 2E (WS2E). Also called: HYPOGONADOTROPIC HYPOGONADISM WITH ANOSMIA AND DEAFNESS, WITH OR WITHOUT HYPOPIGMENTATION; WAARDENBURG SYNDROME, TYPE 2E, WITH OR WITHOUT NEUROLOGIC INVOLVEMENT; WS2E, WITH OR WITHOUT NEUROLOGIC INVOLVEMENT. Identifiers: Orphanet 3440, MedGen C2700405, MONDO:0012698, OMIM 611584.

gnomAD v4.1: 3 of 1,610,164 alleles (0.00019%); highest among the groups gnomAD compares: African/African-American, 0.0027%; no homozygotes.

Submissions (4):

Women's Health and Genetics/Laboratory Corporation of America, LabCorp
Classification: Uncertain significance. Last evaluated: 2025-09-23. Review status: criteria provided, single submitter. Criteria: LabCorp Variant Classification Summary - May 2015. Collection method: clinical testing. Allele origin: germline.
Comment: Variant summary: SOX10 c.274G>A (p.Val92Met) results in a conservative amino acid change in the encoded protein sequence. Algorithms developed to predict the effect of missense changes on protein structure and function are either unavailable or do not agree on the potential impact of this missense change. The variant allele was found at a frequency of 8.3e-06 in 241638 control chromosomes. The available data on variant occurrences in the general population are insufficient to allow any conclusion about variant significance. To our knowledge, no occurrence of c.274G>A in individuals affected with SOX10-related conditions and no experimental evidence demonstrating its impact on protein function have been reported. ClinVar contains an entry for this variant (Variation ID: 1709423). Based on the evidence outlined above, the variant was classified as uncertain significance.

Labcorp Genetics (formerly Invitae), Labcorp
Classification: Likely benign. Last evaluated: 2025-08-18. Review status: criteria provided, single submitter. Criteria: Invitae Variant Classification Sherloc (09022015). Collection method: clinical testing. Allele origin: germline.

CeGaT Center for Human Genetics Tuebingen
Classification: Uncertain significance. Last evaluated: 2024-01-01. Review status: criteria provided, single submitter. Criteria: CeGaT Center For Human Genetics Tuebingen Variant Classification Criteria Version 2. Collection method: clinical testing. Allele origin: germline. Affected: yes. Observed: 1 variant allele.
Comment: SOX10: PP3

MGZ Medical Genetics Center
Classification: Uncertain significance for Waardenburg syndrome type 2E. Last evaluated: 2022-06-15. Review status: criteria provided, single submitter. Criteria: ACMG Guidelines, 2015. Collection method: clinical testing. Allele origin: germline. Affected: yes. Observed: 2 variant alleles.
Comment: ACMG criteria applied: PM2_SUP, PP3